The following is an entry in ClinVar:

NM_018139.3(DNAAF2):c.950G>A (p.Arg317Gln)

Gene: DNAAF2 (dynein axonemal assembly factor 2; minus strand). Cytogenetic location: 14q21.3.
Variant type: single nucleotide variant.
Coding change: c.950G>A on transcript NM_018139.3 (MANE Select); coding-DNA position 950, G replaced by A.
Protein change: p.Arg317Gln; replaces arginine 317 with glutamine.
Molecular consequence: missense variant.
Genome position (GRCh38, 1-based): chr14:49,634,200, C>T on the plus strand (G>A on the coding strand, the complement: DNAAF2 is on the minus strand). VCF-style: chr14-49634200-C-T. GRCh37 (hg19) VCF-style: chr14-50100918-C-T.
Other names: p.Arg317Gln; c.950G>A, p.Arg317Gln (NM_001083908.2); short protein forms R317Q.
Identifiers: ClinVar variation 1396717 (VCV001396717.5), dbSNP rs374063062, ClinGen allele CA7172989.

ClinVar aggregate classification (germline): Uncertain significance. Review status: criteria provided, multiple submitters, no conflicts (2 of 4 stars). 3 submissions from 3 submitters: Uncertain significance (3). Last evaluated 2025-12-12.

Conditions:
Primary ciliary dyskinesia. Also called: Ciliary dyskinesia. Identifiers: Orphanet 244, MedGen C0008780, MONDO:0016575, HP:0012265.

Allele frequency attached by ClinVar (database versions not stated): gnomAD 0.00002; TOPMed 0.00003; ExAC 0.00004; gnomAD exomes 0.00004; ESP Exome Variant Server 0.00008.
gnomAD v4.1: 114 of 1,611,748 alleles (0.0071%); highest among the groups gnomAD compares: Non-Finnish European, 0.0089%; no homozygotes.

Submissions (3):

Mayo Clinic Laboratories, Mayo Clinic
Classification: Uncertain significance. Last evaluated: 2025-12-12. Review status: criteria provided, single submitter. Criteria: ACMG Guidelines, 2015. Collection method: clinical testing. Allele origin: germline. Observed: 1 variant allele.
Comment: BP4_moderate

Labcorp Genetics (formerly Invitae), Labcorp
Classification: Uncertain significance for Primary ciliary dyskinesia. Last evaluated: 2022-09-27. Review status: criteria provided, single submitter. Criteria: Invitae Variant Classification Sherloc (09022015). Collection method: clinical testing. Allele origin: germline.
Comment: This sequence change replaces arginine, which is basic and polar, with glutamine, which is neutral and polar, at codon 317 of the DNAAF2 protein (p.Arg317Gln). This variant is present in population databases (rs374063062, gnomAD 0.009%). This variant has not been reported in the literature in individuals affected with DNAAF2-related conditions. ClinVar contains an entry for this variant (Variation ID: 1396717). Advanced modeling of protein sequence and biophysical properties (such as structural, functional, and spatial information, amino acid conservation, physicochemical variation, residue mobility, and thermodynamic stability) performed at Invitae indicates that this missense variant is not expected to disrupt DNAAF2 protein function. In summary, the available evidence is currently insufficient to determine the role of this variant in disease. Therefore, it has been classified as a Variant of Uncertain Significance.

Ambry Genetics
Classification: Uncertain significance for Primary ciliary dyskinesia. Last evaluated: 2015-06-09. Review status: criteria provided, single submitter. Criteria: Ambry Variant Classification Scheme 2023. Collection method: clinical testing. Allele origin: germline.
Comment: The p.R317Q variant (also known as c.950G>A), located in coding exon 1 of the DNAAF2 gene, results from a G to A substitution at nucleotide position 950. The arginine at codon 317 is replaced by glutamine, an amino acid with highly similar properties. This variant was previously reported in the SNPDatabase as rs374063062. Based on data from the NHLBI Exome Sequencing Project (ESP), the A allele has an overall frequency of approximately 0.01% (1/12584) total alleles studied and 0.01% (1/8354) European American alleles. This amino acid position is not well conserved in available vertebrate species. In addition, this alteration is predicted to be tolerated by in silico analysis. Since supporting evidence is limited at this time, the clinical significance of this variant remains unclear.